The following is an entry in ClinVar:

ClinVar aggregate classification (germline): Likely benign. Review status: criteria provided, single submitter (1 of 4 stars). 2 submissions from 2 submitters: Likely benign (1). 1 of the submissions does not count toward it. Last evaluated 2024-06-20.

Conditions:
COG1-related disorder. Also called: COG1-related condition.
COG1 congenital disorder of glycosylation (CDG2G). Also called: CDG IIg; CDGII/COG1 CEREBROCOSTOMANDIBULAR-LIKE SYNDROME; CONGENITAL DISORDER OF GLYCOSYLATION, TYPE IIg. Identifiers: Orphanet 263508, MedGen C2931011, MONDO:0012637, OMIM 611209.

Allele frequency attached by ClinVar (database versions not stated): gnomAD 0.00001; ExAC 0.00002; gnomAD exomes 0.00002.

Submissions (2):

Labcorp Genetics (formerly Invitae), Labcorp
Classification: Likely benign for COG1 congenital disorder of glycosylation. Last evaluated: 2024-06-20. Review status: criteria provided, single submitter. Criteria: Invitae Variant Classification Sherloc (09022015). Collection method: clinical testing. Allele origin: germline.

PreventionGenetics, part of Exact Sciences
Classification: Likely benign for COG1-related condition. Last evaluated: 2019-03-01. Review status: no assertion criteria provided. Collection method: clinical testing. Allele origin: germline. Not counted in ClinVar's aggregate classification.
Comment: This variant is classified as likely benign based on ACMG/AMP sequence variant interpretation guidelines (Richards et al. 2015 PMID: 25741868, with internal and published modifications).

NM_018714.3(COG1):c.743-4T>C

Gene: COG1 (component of oligomeric golgi complex 1; plus strand). Cytogenetic location: 17q25.1.
Variant type: single nucleotide variant.
Coding change: c.743-4T>C on transcript NM_018714.3 (MANE Select); 4 bases into the intron before coding-DNA position 743, T replaced by C.
Molecular consequence: intron variant.
Genome position (GRCh38, 1-based): chr17:73,197,222, T>C. VCF-style: chr17-73197222-T-C. GRCh37 (hg19) VCF-style: chr17-71193361-T-C.
Other names: c.743-4T>C (NM_018714.2).
Identifiers: ClinVar variation 3017593 (VCV003017593.5), dbSNP rs764179964, ClinGen allele CA8740061.